The following is an entry in ClinVar:

NM_018089.3(ANKZF1):c.1253T>C (p.Val418Ala)

Gene: ANKZF1 (ankyrin repeat and zinc finger peptidyl tRNA hydrolase 1; plus strand). Cytogenetic location: 2q35.
Variant type: single nucleotide variant.
Coding change: c.1253T>C on transcript NM_018089.3 (MANE Select); coding-DNA position 1253, T replaced by C.
Protein change: p.Val418Ala; replaces valine 418 with alanine.
Molecular consequence: missense variant.
Genome position (GRCh38, 1-based): chr2:219,234,874, T>C. VCF-style: chr2-219234874-T-C. GRCh37 (hg19) VCF-style: chr2-220099596-T-C.
Other names: c.1253T>C, p.Val418Ala (NM_001042410.2); c.623T>C, p.Val208Ala (NM_001282792.2); short protein forms V208A, V418A.
Identifiers: ClinVar variation 2966098 (VCV002966098.3), dbSNP rs1033162555, ClinGen allele CA65971781.
Genomic context (GRCh38, chr2:219,234,874, plus strand): 5'-GTTTTTCCCTAGGTTCAGGGTCGGAGGGAGAAGATGGCTTTCAGGTAGAGTTGGAGCTAG[T>C]GGAGTTGACTGTGGGGACTCTGGATCTTTGTGAGTCTGAAGTATTGCCCAAGCGGAGGAG-3'
Protein context (NP_060559.2, residues 408-428): EDGFQVELEL[Val418Ala]ELTVGTLDLC

ClinVar aggregate classification (germline): Uncertain significance (1 of 4 stars; one submission).

Allele frequency attached by ClinVar (database versions not stated): gnomAD 0.00001; gnomAD exomes 0.00001; TOPMed 0.00001.
gnomAD v4.1: 4 of 1,613,976 alleles (0.00025%); highest among the groups gnomAD compares: Non-Finnish European, 0.00034%; no homozygotes.

Submission:

Labcorp Genetics (formerly Invitae), Labcorp
Classification: Uncertain significance. Last evaluated: 2023-11-27. Review status: criteria provided, single submitter. Criteria: Invitae Variant Classification Sherloc (09022015). Collection method: clinical testing. Allele origin: germline.
Comment: This sequence change replaces valine, which is neutral and non-polar, with alanine, which is neutral and non-polar, at codon 418 of the ANKZF1 protein (p.Val418Ala). This variant is not present in population databases (gnomAD no frequency). This variant has not been reported in the literature in individuals affected with ANKZF1-related conditions. Algorithms developed to predict the effect of missense changes on protein structure and function output the following: SIFT: "Not Available"; PolyPhen-2: "Benign"; Align-GVGD: "Not Available". The alanine amino acid residue is found in multiple mammalian species, which suggests that this missense change does not adversely affect protein function. In summary, the available evidence is currently insufficient to determine the role of this variant in disease. Therefore, it has been classified as a Variant of Uncertain Significance.